The following is an entry in ClinVar:

ClinVar aggregate classification (germline): Uncertain significance (1 of 4 stars; one submission).

Conditions:
Ullrich congenital muscular dystrophy 2 (UCMD2). Identifiers: Orphanet 75840, MedGen C4225314, MONDO:0014654, OMIM 616470.
Bethlem myopathy 2 (BTHLM2). Identifiers: Orphanet 536516, Orphanet 610, MedGen C4225313, MONDO:0034022, OMIM 616471.

Submission:

Labcorp Genetics (formerly Invitae), Labcorp
Classification: Uncertain significance for Bethlem myopathy 2; Ullrich congenital muscular dystrophy 2. Last evaluated: 2025-09-21. Review status: criteria provided, single submitter. Criteria: Invitae Variant Classification Sherloc (09022015). Collection method: clinical testing. Allele origin: germline.
Comment: This sequence change falls in intron 39 of the COL12A1 gene. It does not directly change the encoded amino acid sequence of the COL12A1 protein. It affects a nucleotide within the consensus splice site. This variant is not present in population databases (gnomAD no frequency). This variant has not been reported in the literature in individuals affected with COL12A1-related conditions. ClinVar contains an entry for this variant (Variation ID: 1921743). Variants that disrupt the consensus splice site are a relatively common cause of aberrant splicing (PMID: 17576681, 9536098). Algorithms developed to predict the effect of sequence changes on RNA splicing suggest that this variant is not likely to affect RNA splicing. In summary, the available evidence is currently insufficient to determine the role of this variant in disease. Therefore, it has been classified as a Variant of Uncertain Significance.

Literature cited by the submitters: PubMed 17576681; PubMed 9536098.

NM_004370.6(COL12A1):c.6460+6G>A

Gene: COL12A1 (collagen type XII alpha 1 chain; minus strand). Cytogenetic location: 6q13.
Variant type: single nucleotide variant.
Coding change: c.6460+6G>A on transcript NM_004370.6 (MANE Select); 6 bases into the intron after coding-DNA position 6460, G replaced by A.
Molecular consequence: intron variant.
Genome position (GRCh38, 1-based): chr6:75,126,345, C>T on the plus strand (G>A on the coding strand, the complement: COL12A1 is on the minus strand). VCF-style: chr6-75126345-C-T. GRCh37 (hg19) VCF-style: chr6-75836061-C-T.
Other names: c.2968+6G>A (NM_080645.3).
Identifiers: ClinVar variation 1921743 (VCV001921743.5), dbSNP rs2533243336, ClinGen allele CA2580075777.